The following is an entry in ClinVar:

ClinVar aggregate classification (germline): Uncertain significance. Review status: criteria provided, multiple submitters, no conflicts (2 of 4 stars). 4 submissions from 4 submitters: Uncertain significance (4). Last evaluated 2022-05-12.

Conditions:
Myopathy, myofibrillar, 9, with early respiratory failure (MFM9). Also called: EDSTROM MYOPATHY; MYOPATHY, PROXIMAL, WITH EARLY RESPIRATORY MUSCLE INVOLVEMENT; Myopathy, distal, with early respiratory failure, autosomal dominant; Hereditary myopathy with early respiratory failure. Identifiers: Orphanet 178464, Orphanet 34521, MedGen C1863599, MONDO:0011362, OMIM 603689.
Early-onset myopathy with fatal cardiomyopathy (CMYO5). Also called: CONGENITAL MYOPATHY 5 WITH CARDIOMYOPATHY; Salih Myopathy. Identifiers: Orphanet 289377, MedGen C2673677, MONDO:0012714, OMIM 611705. Disease mechanism: loss of function.
Hypertrophic cardiomyopathy 9. Also called: Familial hypertrophic cardiomyopathy 9. Identifiers: MedGen C1861065, MONDO:0013412, OMIM 613765.
Dilated cardiomyopathy 1G (CMD1G). Identifiers: Orphanet 154, MedGen C1858763, MONDO:0011400, OMIM 604145.
Tibial muscular dystrophy (TMD). Also called: UDD MYOPATHY; Tibial muscular dystrophy, tardive; Udd Distal Myopathy – Tibial Muscular Dystrophy. Identifiers: Orphanet 609, MedGen C1838244, MONDO:0010870, OMIM 600334.
Autosomal recessive limb-girdle muscular dystrophy type 2J (LGMDR10). Also called: MUSCULAR DYSTROPHY, LIMB-GIRDLE, AUTOSOMAL RECESSIVE 10; Limb-girdle muscular dystrophy, type 2J. Identifiers: Orphanet 140922, MedGen C1837342, MONDO:0012127, OMIM 608807.

Allele frequency attached by ClinVar (database versions not stated): gnomAD exomes 0.00001; TOPMed 0.00001; ESP Exome Variant Server 0.00008.
gnomAD v4.1: 13 of 1,606,072 alleles (0.00081%); highest among the groups gnomAD compares: Non-Finnish European, 0.0011%; no homozygotes.

Submissions (4):

Revvity Omics, Revvity
Classification: Uncertain significance. Last evaluated: 2022-05-12. Review status: criteria provided, single submitter. Criteria: ACMG Guidelines, 2015. Collection method: clinical testing. Allele origin: germline.

Fulgent Genetics
Classification: Uncertain significance for Tibial muscular dystrophy; Myopathy, myofibrillar, 9, with early respiratory failure; Dilated cardiomyopathy 1G; Autosomal recessive limb-girdle muscular dystrophy type 2J; Early-onset myopathy with fatal cardiomyopathy; Hypertrophic cardiomyopathy 9. Last evaluated: 2021-10-27. Review status: criteria provided, single submitter. Criteria: ACMG Guidelines, 2015. Collection method: clinical testing. Allele origin: unknown.

Eurofins Ntd Llc (ga)
Classification: Uncertain significance. Last evaluated: 2016-08-27. Review status: criteria provided, single submitter. Criteria: EGL Classification Definitions 2015. Collection method: clinical testing. Allele origin: germline. Observed: 1 variant allele, 1 heterozygote.

GeneDx
Classification: Uncertain significance. Last evaluated: 2014-05-29. Review status: criteria provided, single submitter. Criteria: GeneDx Variant Classification (06012015). Collection method: clinical testing. Allele origin: germline. Affected: yes.
Comment: Missense variants in the TTN gene are considered 'unclassified' if they are not previously reported in the literature and do not have >1% frequency in the population to be considered a polymorphism. Research indicates that truncating mutations in the TTN gene are expected to account for approximately 25% of familial and 18% of sporadic idiopathic DCM; however, truncating variants in the TTN gene have been reported in approximately 3% of reported control alleles. There has been little investigation into non-truncating variants. (Herman D et al. Truncations of titin causing dilated cardiomyopathy. N Eng J Med 366:619-628, 2012) The variant is found in DCM-CRDM panel(s).

NM_001267550.2(TTN):c.24839C>T (p.Pro8280Leu)

Gene: TTN (titin; minus strand). Cytogenetic location: 2q31.2.
Variant type: single nucleotide variant.
Coding change: c.24839C>T on transcript NM_001267550.2 (MANE Select); coding-DNA position 24839, C replaced by T.
Protein change: p.Pro8280Leu; replaces proline 8280 with leucine.
Molecular consequence: missense variant. On other transcripts: intron variant (3).
Genome position (GRCh38, 1-based): chr2:178,718,167, G>A on the plus strand (C>T on the coding strand, the complement: TTN is on the minus strand). VCF-style: chr2-178718167-G-A. GRCh37 (hg19) VCF-style: chr2-179582894-G-A.
Other names: p.P7963L:CCT>CTT; c.23888C>T, p.Pro7963Leu (NM_001256850.1); c.21107C>T, p.Pro7036Leu (NM_133378.4); c.13282+19915C>T (NM_003319.4); c.13858+19915C>T (NM_133437.4); c.13657+19915C>T (NM_133432.3); short protein forms P7963L, P8280L, P7036L.
Identifiers: ClinVar variation 203332 (VCV000203332.10), dbSNP rs375219172, ClinGen allele CA312064.